The following is an entry in ClinVar:

ClinVar aggregate classification (germline): Uncertain significance (1 of 4 stars; one submission).

Conditions:
Malignant hyperthermia, susceptibility to, 5 (MHS5). Also called: CACNA1S-Related Malignant Hyperthermia Susceptibility. Identifiers: Orphanet 423, MedGen C1866077, MONDO:0011163, OMIM 601887.

Allele frequency attached by ClinVar (database versions not stated): gnomAD exomes below 0.00001.
gnomAD v4.1: 1 of 1,614,026 alleles (0.000062%); highest among the groups gnomAD compares: Non-Finnish European, 0.000085%; no homozygotes.

Submission:

All of Us Research Program, National Institutes of Health
Classification: Uncertain significance for Malignant hyperthermia, susceptibility to, 5. Last evaluated: 2023-10-06. Review status: criteria provided, single submitter. Criteria: ACMG Guidelines, 2015. Collection method: clinical testing. Allele origin: germline. Inheritance: Autosomal dominant inheritance. Observed: 1 variant allele, 1 heterozygote.
Comment: This missense variant replaces asparagine with lysine at codon 1610 of the CACNA1S protein. Computational prediction suggests that this variant may not impact protein structure and function (internally defined REVEL score threshold <= 0.5, PMID: 27666373). To our knowledge, functional studies have not been reported for this variant. This variant has not been reported in individuals affected with CACNA1S-related disorders in the literature. This variant has not been identified in the general population by the Genome Aggregation Database (gnomAD). The available evidence is insufficient to determine the role of this variant in disease conclusively. Therefore, this variant is classified as a Variant of Uncertain Significance.

This study involves interpretation of variants in research participants for the purpose of population health screening. Participant phenotype was not available at the time of variant classification. Additional details can be found in publication PMID: 35346344, PMCID: PMC8962531

NM_000069.3(CACNA1S):c.4830C>G (p.Asn1610Lys)

Gene: CACNA1S (calcium voltage-gated channel subunit alpha1 S; minus strand). Cytogenetic location: 1q32.1.
Variant type: single nucleotide variant.
Coding change: c.4830C>G on transcript NM_000069.3 (MANE Select); coding-DNA position 4830, C replaced by G.
Protein change: p.Asn1610Lys; replaces asparagine 1610 with lysine.
Molecular consequence: missense variant.
Genome position (GRCh38, 1-based): chr1:201,043,499, G>C on the plus strand (C>G on the coding strand, the complement: CACNA1S is on the minus strand). VCF-style: chr1-201043499-G-C. GRCh37 (hg19) VCF-style: chr1-201012627-G-C.
Other names: short protein forms N1610K.
Identifiers: ClinVar variation 3073771 (VCV003073771.1), dbSNP rs2464411737, ClinGen allele CA344137627.